The following is an entry in ClinVar:

NM_006363.6(SEC23B):c.1027A>G (p.Asn343Asp)

Gene: SEC23B (SEC23 homolog B, COPII component; plus strand). Cytogenetic location: 20p11.23.
Variant type: single nucleotide variant.
Coding change: c.1027A>G on transcript NM_006363.6 (MANE Select); coding-DNA position 1027, A replaced by G.
Protein change: p.Asn343Asp; replaces asparagine 343 with aspartic acid.
Molecular consequence: missense variant.
Genome position (GRCh38, 1-based): chr20:18,527,529, A>G. VCF-style: chr20-18527529-A-G. GRCh37 (hg19) VCF-style: chr20-18508173-A-G.
Other names: c.1027A>G, p.Asn343Asp (NM_001172745.3, NM_032985.6, NM_032986.5); c.973A>G, p.Asn325Asp (NM_001172746.3); short protein forms N325D, N343D.
Identifiers: ClinVar variation 2065351 (VCV002065351.4), dbSNP rs766922478, ClinGen allele CA9778203.
Genomic context (GRCh38, chr20:18,527,529, plus strand): 5'-CTAAAGATAGCTTTCCTCTCTTCACAGCACTATGAGATGCTTGCTAATCGAACAGCTGCA[A>G]ATGGTCACTGCATTGATATTTATGCTTGTGCCCTTGATCAAACTGGACTTTTGGAGATGA-3'
Protein context (NP_006354.2, residues 333-353): YEMLANRTAA[Asn343Asp]GHCIDIYACA

ClinVar aggregate classification (germline): Uncertain significance (1 of 4 stars; one submission).

Conditions:
Congenital dyserythropoietic anemia, type II (CDAN2). Also called: DYSERYTHROPOIETIC ANEMIA, HEMPAS TYPE. Identifiers: Orphanet 98873, MedGen C1306589, MONDO:0009134, OMIM 224100.
Cowden syndrome 7 (CWS7). Identifiers: Orphanet 201, MedGen C4225179, MONDO:0014802, OMIM 616858.

Allele frequency attached by ClinVar (database versions not stated): ExAC 0.00001; gnomAD 0.00001; gnomAD exomes 0.00001; TOPMed 0.00002.
gnomAD v4.1: 7 of 1,613,296 alleles (0.00043%); highest among the groups gnomAD compares: East Asian, 0.013%; no homozygotes.

Submission:

Labcorp Genetics (formerly Invitae), Labcorp
Classification: Uncertain significance for Congenital dyserythropoietic anemia, type II; Cowden syndrome 7. Last evaluated: 2026-01-12. Review status: criteria provided, single submitter. Criteria: Invitae Variant Classification Sherloc (09022015). Collection method: clinical testing. Allele origin: germline.
Comment: This sequence change replaces asparagine, which is neutral and polar, with aspartic acid, which is acidic and polar, at codon 343 of the SEC23B protein (p.Asn343Asp). This variant is not present in population databases (gnomAD no frequency). This variant has not been reported in the literature in individuals affected with SEC23B-related conditions. ClinVar contains an entry for this variant (Variation ID: 2065351). Invitae Evidence Modeling of protein sequence and biophysical properties (such as structural, functional, and spatial information, amino acid conservation, physicochemical variation, residue mobility, and thermodynamic stability) indicates that this missense variant is expected to disrupt SEC23B protein function with a positive predictive value of 95%. In summary, the available evidence is currently insufficient to determine the role of this variant in disease. Therefore, it has been classified as a Variant of Uncertain Significance.